The following is an entry in ClinVar:

ClinVar aggregate classification (germline): Conflicting classifications of pathogenicity. Review status: criteria provided, conflicting classifications (1 of 4 stars). 2 submissions from 2 submitters: Uncertain significance (1); Likely benign (1). Last evaluated 2024-06-01.

Allele frequency attached by ClinVar (database versions not stated): TOPMed below 0.00001; gnomAD exomes 0.00001; ExAC 0.00002.
gnomAD v4.1: 4 of 1,614,210 alleles (0.00025%); highest among the groups gnomAD compares: Non-Finnish European, 0.00034%; no homozygotes.

Submissions (2):

CeGaT Center for Human Genetics Tuebingen
Classification: Uncertain significance. Last evaluated: 2024-06-01. Review status: criteria provided, single submitter. Criteria: CeGaT Center For Human Genetics Tuebingen Variant Classification Criteria Version 2. Collection method: clinical testing. Allele origin: germline. Affected: yes. Observed: 1 variant allele.
Comment: ABCA4: PM2, BP4

Labcorp Genetics (formerly Invitae), Labcorp
Classification: Likely benign. Last evaluated: 2023-08-28. Review status: criteria provided, single submitter. Criteria: Invitae Variant Classification Sherloc (09022015). Collection method: clinical testing. Allele origin: germline.

NM_000350.3(ABCA4):c.4849-4C>T

Genes: ABCA4 (ATP binding cassette subfamily A member 4; minus strand), LOC126805793 (CDK7 strongly-dependent group 2 enhancer GRCh37_chr1:94486302-94487501; plus strand). Cytogenetic location: 1p22.1.
Variant type: single nucleotide variant.
Coding change: c.4849-4C>T on transcript NM_000350.3 (MANE Select); 4 bases into the intron before coding-DNA position 4849, C replaced by T.
Molecular consequence: intron variant.
Genome position (GRCh38, 1-based): chr1:94,021,413, G>A on the plus strand (C>T on the coding strand, the complement: ABCA4 is on the minus strand). VCF-style: chr1-94021413-G-A. GRCh37 (hg19) VCF-style: chr1-94486969-G-A.
Identifiers: ClinVar variation 1123504 (VCV001123504.27), dbSNP rs767497738, ClinGen allele CA957440.